The following is an entry in ClinVar:

NM_001165963.4(SCN1A):c.1150T>G (p.Trp384Gly)

Gene: SCN1A (sodium voltage-gated channel alpha subunit 1; minus strand). Cytogenetic location: 2q24.3.
Variant type: single nucleotide variant.
Coding change: c.1150T>G on transcript NM_001165963.4 (MANE Select); coding-DNA position 1150, T replaced by G.
Protein change: p.Trp384Gly; replaces tryptophan 384 with glycine.
Molecular consequence: missense variant. On other transcripts: 5 prime UTR variant (1), non-coding transcript variant (1).
Genome position (GRCh38, 1-based): chr2:166,047,647, A>C on the plus strand (T>G on the coding strand, the complement: SCN1A is on the minus strand). VCF-style: chr2-166047647-A-C. GRCh37 (hg19) VCF-style: chr2-166904157-A-C.
Other names: c.1150T>G, p.Trp384Gly (NM_001353952.2, NM_001353954.2, NM_001353955.2 and 10 more transcripts); c.-1276T>G (NM_001353961.2); short protein forms W384G.
Identifiers: ClinVar variation 3634058 (VCV003634058.2).
Genomic context (GRCh38, chr2:166,047,647, plus strand): 5'-ACTTTTACTTAAATGGAGAGTGTGGCTCTTTAGTTCTCACCAGTTGATAAAGATTTTCCC[A>C]GAAGTCCTGAGTCATTAGTCGAAACAAGGACAAAAAAGCCCAACTGAAGGTATCAAAGCT-3'
Protein context (NP_001159435.1, residues 374-394): SLFRLMTQDF[Trp384Gly]ENLYQLTLRA

ClinVar aggregate classification (germline): Likely pathogenic (1 of 4 stars; one submission).

Conditions:
Early-infantile DEE. Also called: Early infantile epileptic encephalopathy; Ohtahara syndrome; Early infantile epileptic encephalopathy with suppression bursts. Identifiers: Orphanet 1934, MedGen C0393706, MONDO:0800491.

Submission:

Labcorp Genetics (formerly Invitae), Labcorp
Classification: Likely pathogenic for Early-infantile DEE. Last evaluated: 2025-12-19. Review status: criteria provided, single submitter. Criteria: Invitae Variant Classification Sherloc (09022015). Collection method: clinical testing. Allele origin: germline.
Comment: This sequence change replaces tryptophan, which is neutral and slightly polar, with glycine, which is neutral and non-polar, at codon 384 of the SCN1A protein (p.Trp384Gly). This variant is not present in population databases (gnomAD no frequency). This variant has not been reported in the literature in individuals affected with SCN1A-related conditions. ClinVar contains an entry for this variant (Variation ID: 3634058). Invitae Evidence Modeling of protein sequence and biophysical properties (such as structural, functional, and spatial information, amino acid conservation, physicochemical variation, residue mobility, and thermodynamic stability) indicates that this missense variant is expected to disrupt SCN1A protein function with a positive predictive value of 95%. This variant disrupts the p.Trp384 amino acid residue in SCN1A. Other variant(s) that disrupt this residue have been determined to be pathogenic (PMID: 21248271, 23195492; internal data). This suggests that this residue is clinically significant, and that variants that disrupt this residue are likely to be disease-causing. In summary, the currently available evidence indicates that the variant is pathogenic, but additional data are needed to prove that conclusively. Therefore, this variant has been classified as Likely Pathogenic.

Literature cited by the submitters: PubMed 21248271; PubMed 23195492.